The following is an entry in ClinVar:

NM_020184.4(CNNM4):c.620_621del (p.Met207fs)

Gene: CNNM4 (cyclin and CBS domain divalent metal cation transport mediator 4; plus strand). Cytogenetic location: 2q11.2.
Variant type: Deletion.
Coding change: c.620_621del on transcript NM_020184.4 (MANE Select); coding-DNA positions 620 to 621, 2 bases deleted (TG; older notation c.620_621delTG).
Protein change: p.Met207fs; shifts the reading frame from methionine 207.
Molecular consequence: frameshift variant.
Genome position (GRCh38, 1-based): chr2:96,761,619-96,761,620, TG deleted. VCF-style (leftmost placement, unchanged base first): chr2-96761618-ATG-A. GRCh37 (hg19) VCF-style: chr2-97427355-ATG-A.
Other names: short protein forms M207fs.
Identifiers: ClinVar variation 1070169 (VCV001070169.2), dbSNP rs757363494, ClinGen allele CA1783237.
Genomic context (GRCh38, chr2:96,761,618, plus strand): 5'-CTCCTAATTACGGTGCTGCTGGTGCTGTCGGGCATATTTTCTGGCCTCAACCTCGGGCTT[ATG>A]GCCCTGGACCCCATGGAGCTGCGCATCGTGCAGAACTGTGGCACCGAGAAGGAGAGGCGC-3'

ClinVar aggregate classification (germline): Pathogenic (1 of 4 stars; one submission).

Allele frequency attached by ClinVar (database versions not stated): ExAC 0.00001; gnomAD 0.00001; gnomAD exomes 0.00003; ESP Exome Variant Server 0.00008.

Submission:

Labcorp Genetics (formerly Invitae), Labcorp
Classification: Pathogenic. Last evaluated: 2017-07-08. Review status: criteria provided, single submitter. Criteria: Invitae Variant Classification Sherloc (09022015). Collection method: clinical testing. Allele origin: germline.
Comment: This sequence change creates a premature translational stop signal (p.Met207Serfs*26) in the CNNM4 gene. It is expected to result in an absent or disrupted protein product. The frequency data for this variant in the population databases is considered unreliable, as metrics indicate poor data quality at this position in the ExAC database. This variant has not been reported in the literature in individuals with CNNM4-related disease. Loss-of-function variants in CNNM4 are known to be pathogenic (PMID: 19200527, 19200525). For these reasons, this variant has been classified as Pathogenic.

Literature cited by the submitters: PubMed 19200527; PubMed 19200525.